The following is an entry in ClinVar:

NM_001197104.2(KMT2A):c.65G>C (p.Gly22Ala)

Gene: KMT2A (lysine methyltransferase 2A; plus strand). Cytogenetic location: 11q23.3.
Variant type: single nucleotide variant.
Coding change: c.65G>C on transcript NM_001197104.2 (MANE Select); coding-DNA position 65, G replaced by C.
Protein change: p.Gly22Ala; replaces glycine 22 with alanine.
Molecular consequence: missense variant.
Genome position (GRCh38, 1-based): chr11:118,436,577, G>C. VCF-style: chr11-118436577-G-C. GRCh37 (hg19) VCF-style: chr11-118307292-G-C.
Other names: c.65G>C, p.Gly22Ala (NM_001412597.1, NM_005933.4); short protein forms G22A.
Identifiers: ClinVar variation 2642416 (VCV002642416.28), dbSNP rs1555138487, ClinGen allele CA382796995.

ClinVar aggregate classification (germline): Uncertain significance. Review status: criteria provided, multiple submitters, no conflicts (2 of 4 stars). 3 submissions from 3 submitters: Uncertain significance (3). Last evaluated 2024-08-07.

Conditions:
Inborn genetic diseases. Identifiers: MedGen C0950123, MeSH D030342.

Allele frequency attached by ClinVar (database versions not stated): gnomAD exomes below 0.00001; gnomAD 0.00001; TOPMed 0.00001.

Submissions (3):

Ambry Genetics
Classification: Uncertain significance for Inborn genetic diseases. Last evaluated: 2024-08-07. Review status: criteria provided, single submitter. Criteria: Ambry Variant Classification Scheme 2023. Collection method: clinical testing. Allele origin: germline.

Labcorp Genetics (formerly Invitae), Labcorp
Classification: Uncertain significance. Last evaluated: 2024-06-10. Review status: criteria provided, single submitter. Criteria: Invitae Variant Classification Sherloc (09022015). Collection method: clinical testing. Allele origin: germline.
Comment: This sequence change replaces glycine, which is neutral and non-polar, with alanine, which is neutral and non-polar, at codon 22 of the KMT2A protein (p.Gly22Ala). This variant is present in population databases (no rsID available, gnomAD 0.007%). This variant has not been reported in the literature in individuals affected with KMT2A-related conditions. ClinVar contains an entry for this variant (Variation ID: 2642416). Advanced modeling of protein sequence and biophysical properties (such as structural, functional, and spatial information, amino acid conservation, physicochemical variation, residue mobility, and thermodynamic stability) has been performed at Invitae for this missense variant, however the output from this modeling did not meet the statistical confidence thresholds required to predict the impact of this variant on KMT2A protein function. In summary, the available evidence is currently insufficient to determine the role of this variant in disease. Therefore, it has been classified as a Variant of Uncertain Significance.

CeGaT Center for Human Genetics Tuebingen
Classification: Uncertain significance. Last evaluated: 2022-08-01. Review status: criteria provided, single submitter. Criteria: CeGaT Center For Human Genetics Tuebingen Variant Classification Criteria Version 2. Collection method: clinical testing. Allele origin: germline. Affected: yes. Observed: 1 variant allele.
Comment: KMT2A: PM2